The following is an entry in ClinVar:

NM_000787.4(DBH):c.271G>A (p.Asp91Asn)

Gene: DBH (dopamine beta-hydroxylase; plus strand). Cytogenetic location: 9q34.2.
Variant type: single nucleotide variant.
Coding change: c.271G>A on transcript NM_000787.4 (MANE Select); coding-DNA position 271, G replaced by A.
Protein change: p.Asp91Asn; replaces aspartic acid 91 with asparagine.
Molecular consequence: missense variant.
Genome position (GRCh38, 1-based): chr9:133,636,642, G>A. VCF-style: chr9-133636642-G-A. GRCh37 (hg19) VCF-style: chr9-136501764-G-A.
Other names: c.271G>A (NM_000787.3); short protein forms D91N.
Identifiers: ClinVar variation 1424294 (VCV001424294.9), dbSNP rs147944557, ClinGen allele CA5312990.

ClinVar aggregate classification (germline): Uncertain significance. Review status: criteria provided, multiple submitters, no conflicts (2 of 4 stars). 3 submissions from 3 submitters: Uncertain significance (3). Last evaluated 2025-04-12.

Conditions:
DBH-related disorder. Also called: DBH-related condition.
Inborn genetic diseases. Identifiers: MedGen C0950123, MeSH D030342.
Orthostatic hypotension 1 (ORTHYP1). Also called: NORADRENALINE DEFICIENCY; NOREPINEPHRINE DEFICIENCY; Dopamine beta-hydroxylase deficiency; Orthostatic hypotension 1, due to DBH deficiency. Identifiers: Orphanet 230, MedGen C4746777, MONDO:0009123, OMIM 223360.

Allele frequency attached by ClinVar (database versions not stated): gnomAD exomes 0.00003.
gnomAD v4.1: 54 of 1,612,482 alleles (0.0033%); highest among the groups gnomAD compares: Admixed American, 0.005%; no homozygotes.

Submissions (3):

Ambry Genetics
Classification: Uncertain significance for Inborn genetic diseases. Last evaluated: 2025-04-12. Review status: criteria provided, single submitter. Criteria: Ambry Variant Classification Scheme 2023. Collection method: clinical testing. Allele origin: germline.

PreventionGenetics, part of Exact Sciences
Classification: Uncertain significance for DBH-related condition. Last evaluated: 2025-01-23. Review status: criteria provided, single submitter. Criteria: ACMG Guidelines, 2015. Collection method: clinical testing. Allele origin: germline.
Comment: The DBH c.271G>A variant is predicted to result in the amino acid substitution p.Asp91Asn. To our knowledge, this variant has not been reported in the literature. This variant is reported in 0.010% of alleles in individuals of East Asian descent in gnomAD. At this time, the clinical significance of this variant is uncertain due to the absence of conclusive functional and genetic evidence.

Labcorp Genetics (formerly Invitae), Labcorp
Classification: Uncertain significance for Orthostatic hypotension 1. Last evaluated: 2022-06-13. Review status: criteria provided, single submitter. Criteria: Invitae Variant Classification Sherloc (09022015). Collection method: clinical testing. Allele origin: germline.
Comment: Algorithms developed to predict the effect of missense changes on protein structure and function are either unavailable or do not agree on the potential impact of this missense change (SIFT: "Tolerated"; PolyPhen-2: "Probably Damaging"; Align-GVGD: "Class C0"). This variant has not been reported in the literature in individuals affected with DBH-related conditions. This variant is present in population databases (rs147944557, gnomAD 0.01%). This sequence change replaces aspartic acid, which is acidic and polar, with asparagine, which is neutral and polar, at codon 91 of the DBH protein (p.Asp91Asn). In summary, the available evidence is currently insufficient to determine the role of this variant in disease. Therefore, it has been classified as a Variant of Uncertain Significance.